The following is an entry in ClinVar:

NM_014714.4(IFT140):c.2744C>T (p.Ala915Val)

Gene: IFT140 (intraflagellar transport 140; minus strand). Cytogenetic location: 16p13.3.
Variant type: single nucleotide variant.
Coding change: c.2744C>T on transcript NM_014714.4 (MANE Select); coding-DNA position 2744, C replaced by T.
Protein change: p.Ala915Val; replaces alanine 915 with valine.
Molecular consequence: missense variant.
Genome position (GRCh38, 1-based): chr16:1,525,911, G>A on the plus strand (C>T on the coding strand, the complement: IFT140 is on the minus strand). VCF-style: chr16-1525911-G-A. GRCh37 (hg19) VCF-style: chr16-1575912-G-A.
Other names: short protein forms A915V.
Identifiers: ClinVar variation 2108867 (VCV002108867.4), dbSNP rs377196633, ClinGen allele CA276680430.

ClinVar aggregate classification (germline): Uncertain significance (1 of 4 stars; one submission).

Conditions:
Saldino-Mainzer syndrome (SRTD9). Also called: CONORENAL SYNDROME; Renal dysplasia, retinal pigmentary dystrophy, cerebellar ataxia and skeletal dysplasia; SHORT-RIB THORACIC DYSPLASIA 9 WITHOUT POLYDACTYLY; short-rib thoracic dysplasia 9 with or without polydactyly. Identifiers: Orphanet 140969, MedGen C1849437, MONDO:0009964, OMIM 266920.

Allele frequency attached by ClinVar (database versions not stated): TOPMed below 0.00001; gnomAD 0.00001; ESP Exome Variant Server 0.00008.
gnomAD v4.1: 2 of 1,557,750 alleles (0.00013%); highest among the groups gnomAD compares: African/African-American, 0.0014%; no homozygotes.

Submission:

Labcorp Genetics (formerly Invitae), Labcorp
Classification: Uncertain significance for Saldino-Mainzer syndrome. Last evaluated: 2022-05-27. Review status: criteria provided, single submitter. Criteria: Invitae Variant Classification Sherloc (09022015). Collection method: clinical testing. Allele origin: germline.
Comment: In summary, the available evidence is currently insufficient to determine the role of this variant in disease. Therefore, it has been classified as a Variant of Uncertain Significance. Algorithms developed to predict the effect of missense changes on protein structure and function (SIFT, PolyPhen-2, Align-GVGD) all suggest that this variant is likely to be tolerated. This variant has not been reported in the literature in individuals affected with IFT140-related conditions. This variant is not present in population databases (gnomAD no frequency). This sequence change replaces alanine, which is neutral and non-polar, with valine, which is neutral and non-polar, at codon 915 of the IFT140 protein (p.Ala915Val).